The following is an entry in ClinVar:

ClinVar aggregate classification (germline): Uncertain significance. Review status: criteria provided, multiple submitters, no conflicts (2 of 4 stars). 3 submissions from 3 submitters: Uncertain significance (3). Last evaluated 2024-05-08.

Conditions:
Hereditary cancer-predisposing syndrome. Also called: Neoplastic Syndromes, Hereditary; Tumor predisposition; Hereditary Cancer Syndrome; Hereditary neoplastic syndrome. Identifiers: Orphanet 140162, MedGen C0027672, MeSH D009386, MONDO:0015356.
Familial cancer of breast. Also called: BREAST CANCER, FAMILIAL; hereditary breast carcinoma; Hereditary breast cancer. Identifiers: Orphanet 227535, MedGen C0346153, MONDO:0016419, OMIM 114480. Disease mechanism: loss of function.

Submissions (3):

Ambry Genetics
Classification: Uncertain significance for Hereditary cancer-predisposing syndrome. Last evaluated: 2024-05-08. Review status: criteria provided, single submitter. Criteria: Ambry Variant Classification Scheme 2023. Collection method: clinical testing. Allele origin: germline.
Comment: The p.Q645R variant (also known as c.1934A>G), located in coding exon 12 of the BRIP1 gene, results from an A to G substitution at nucleotide position 1934. The glutamine at codon 645 is replaced by arginine, an amino acid with highly similar properties. This amino acid position is highly conserved in available vertebrate species. In addition, this alteration is predicted to be deleterious by in silico analysis. Based on the available evidence, the clinical significance of this variant remains unclear.

Color Diagnostics, LLC DBA Color Health
Classification: Uncertain significance for Hereditary cancer-predisposing syndrome. Last evaluated: 2019-12-16. Review status: criteria provided, single submitter. Criteria: ACMG Guidelines, 2015. Collection method: clinical testing. Allele origin: germline.
Comment: This missense variant replaces glutamine with arginine at codon 645 of the BRIP1 protein. Computational prediction suggests that this variant may have deleterious impact on protein structure and function (internally defined REVEL score threshold >= 0.7, PMID: 27666373). Splice site prediction tools are inconclusive regarding the impact of this variant on RNA splicing. To our knowledge, functional studies have not been performed for this variant. This variant has not been reported in individuals affected with hereditary cancer in the literature. This variant has not been identified in the general population by the Genome Aggregation Database (gnomAD). The available evidence is insufficient to determine the role of this variant in disease conclusively. Therefore, this variant is classified as a Variant of Uncertain Significance.

Mendelics
Classification: Uncertain significance for Familial cancer of breast. Last evaluated: 2019-05-28. Review status: criteria provided, single submitter. Criteria: Mendelics Assertion Criteria 2017. Collection method: clinical testing. Allele origin: unknown.

NM_032043.3(BRIP1):c.1934A>G (p.Gln645Arg)

Gene: BRIP1 (BRCA1 interacting DNA helicase 1; minus strand). Cytogenetic location: 17q23.2.
Variant type: single nucleotide variant.
Coding change: c.1934A>G on transcript NM_032043.3 (MANE Select); coding-DNA position 1934, A replaced by G.
Protein change: p.Gln645Arg; replaces glutamine 645 with arginine.
Molecular consequence: missense variant.
Genome position (GRCh38, 1-based): chr17:61,780,262, T>C on the plus strand (A>G on the coding strand, the complement: BRIP1 is on the minus strand). VCF-style: chr17-61780262-T-C. GRCh37 (hg19) VCF-style: chr17-59857623-T-C.
Other names: short protein forms Q645R.
Identifiers: ClinVar variation 233801 (VCV000233801.12), dbSNP rs876660648, ClinGen allele CA10580822.